The following is an entry in ClinVar:

ClinVar aggregate classification (germline): Pathogenic (1 of 4 stars; one submission).

Conditions:
Hereditary cancer-predisposing syndrome. Also called: Neoplastic Syndromes, Hereditary; Tumor predisposition; Hereditary Cancer Syndrome; Hereditary neoplastic syndrome. Identifiers: Orphanet 140162, MedGen C0027672, MeSH D009386, MONDO:0015356.

Submission:

Ambry Genetics
Classification: Pathogenic for Hereditary cancer-predisposing syndrome. Last evaluated: 2018-03-22. Review status: criteria provided, single submitter. Criteria: Ambry Variant Classification Scheme 2023. Collection method: clinical testing. Allele origin: germline.
Comment: The c.164delC pathogenic mutation, located in coding exon 2 of the RB1 gene, results from a deletion of one nucleotide at nucleotide position 164, causing a translational frameshift with a predicted alternate stop codon (p.P55Lfs*10). In addition to the clinical data presented in the literature, this alteration is expected to result in loss of function by premature protein truncation or nonsense-mediated mRNA decay. As such, this alteration is interpreted as a disease-causing mutation.

Literature cited by the submitters: PubMed 27021801.

NM_000321.3(RB1):c.164del (p.Pro55fs)

Gene: RB1 (RB transcriptional corepressor 1; plus strand). Cytogenetic location: 13q14.2.
Variant type: Deletion.
Coding change: c.164del on transcript NM_000321.3 (MANE Select); coding-DNA position 164, one base deleted (C; older notation c.164delC).
Protein change: p.Pro55fs; shifts the reading frame from proline 55.
Molecular consequence: frameshift variant.
Genome position (GRCh38, 1-based): chr13:48,307,306, C deleted; the last of 2 consecutive C bases (chr13:48,307,305-48,307,306); deleting either gives the same sequence. VCF-style (leftmost placement, unchanged base first): chr13-48307304-AC-A. GRCh37 (hg19) VCF-style: chr13-48881440-AC-A.
Other names: c.164delC, p.Pro55Leufs (NM_001407165.1, NM_001407166.1, NM_001407167.1); short protein forms P55fs.
Identifiers: ClinVar variation 1777226 (VCV001777226.2), dbSNP rs2542099953, ClinGen allele CA2580087735.